The following is an entry in ClinVar:

NM_020778.5(ALPK3):c.4313C>T (p.Ser1438Leu)

Gene: ALPK3 (alpha kinase 3; plus strand). Cytogenetic location: 15q25.3.
Variant type: single nucleotide variant.
Coding change: c.4313C>T on transcript NM_020778.5 (MANE Select); coding-DNA position 4313, C replaced by T.
Protein change: p.Ser1438Leu; replaces serine 1438 with leucine.
Molecular consequence: missense variant.
Genome position (GRCh38, 1-based): chr15:84,862,818, C>T. VCF-style: chr15-84862818-C-T. GRCh37 (hg19) VCF-style: chr15-85406049-C-T.
Other names: short protein forms S1438L.
Identifiers: ClinVar variation 1744095 (VCV001744095.9), dbSNP rs775335205, ClinGen allele CA7709923.

ClinVar aggregate classification (germline): Uncertain significance. Review status: criteria provided, multiple submitters, no conflicts (2 of 4 stars). 5 submissions from 5 submitters: Uncertain significance (5). Last evaluated 2025-11-23.

Conditions:
Cardiomyopathy, familial hypertrophic 27. Identifiers: MedGen C4748014, MONDO:0054838, OMIM 618052.
Cardiovascular phenotype. Identifiers: MedGen CN230736.

gnomAD v4.1: 30 of 1,614,036 alleles (0.0019%); highest among the groups gnomAD compares: East Asian, 0.0089%; no homozygotes.

Submissions (5):

Labcorp Genetics (formerly Invitae), Labcorp
Classification: Uncertain significance. Last evaluated: 2025-11-23. Review status: criteria provided, single submitter. Criteria: Invitae Variant Classification Sherloc (09022015). Collection method: clinical testing. Allele origin: germline.
Comment: This sequence change replaces serine, which is neutral and polar, with leucine, which is neutral and non-polar, at codon 1640 of the ALPK3 protein (p.Ser1640Leu). This variant is present in population databases (rs775335205, gnomAD 0.01%). This missense change has been observed in individual(s) with hypertrophic cardiomyopathy (internal data). ClinVar contains an entry for this variant (Variation ID: 1744095). Invitae Evidence Modeling of protein sequence and biophysical properties (such as structural, functional, and spatial information, amino acid conservation, physicochemical variation, residue mobility, and thermodynamic stability) indicates that this missense variant is expected to disrupt ALPK3 protein function with a positive predictive value of 80%. In summary, the available evidence is currently insufficient to determine the role of this variant in disease. Therefore, it has been classified as a Variant of Uncertain Significance.

Ambry Genetics
Classification: Uncertain significance for Cardiovascular phenotype. Last evaluated: 2025-10-14. Review status: criteria provided, single submitter. Criteria: Ambry Variant Classification Scheme 2023. Collection method: clinical testing. Allele origin: germline.
Comment: The p.S1640L variant (also known as c.4919C>T), located in coding exon 10 of the ALPK3 gene, results from a C to T substitution at nucleotide position 4919. The serine at codon 1640 is replaced by leucine, an amino acid with dissimilar properties. This amino acid position is highly conserved in available vertebrate species. In addition, this alteration is predicted to be tolerated by in silico analysis. Since supporting evidence is limited at this time, the clinical significance of this alteration remains unclear.

Victorian Clinical Genetics Services, Murdoch Childrens Research Institute
Classification: Uncertain significance for Cardiomyopathy, familial hypertrophic 27. Last evaluated: 2024-10-10. Review status: criteria provided, single submitter. Criteria: ACMG Guidelines, 2015. Collection method: clinical testing. Allele origin: germline. Inheritance: Autosomal dominant inheritance. Affected: yes.
Comment: Based on the classification scheme VCGS_Germline_v1.3.5, this variant is classified as VUS-3A. Following criteria are met: 0102 - Loss of function is a known mechanism of disease in this gene and is associated with familial hypertrophic cardiomyopathy 27 (MIM#618052). (I) 0108 - This gene is associated with both recessive and dominant disease (PMID: 34263907). (I) 112 - The condition associated with this gene has incomplete penetrance. Age-dependent penetrance has been observed in the autosomal dominant condition (PMID: 32480058, 34263907). (I) 0200 - Variant is predicted to result in a missense amino acid change from serine to leucine. (I) 0251 - This variant is heterozygous. (I) 0304 - Variant is present in gnomAD (v4) <0.01 (30 heterozygotes, 0 homozygotes). (SP) 0309 - Multiple alternative amino acid changes at the same position have been observed in gnomAD (v4) (highest allele count: 8 heterozygotes, 0 homozygotes). (I). (I) 0501 - Missense variant consistently predicted to be damaging by multiple in silico tools or highly conserved with a major amino acid change. (SP) 0600 - Variant is located in the annotated alpha kinase domain (NCBI). (I) 0710 - Another missense variant comparable to the one identified in this case has inconclusive previous evidence for pathogenicity. p.(Ser1438Trp) has been classified as a VUS by clinical laboratories on ClinVar. (I) 0809 - Previous evidence of pathogenicity for this variant is inconclusive. This variant has been classified as a VUS by clinical laboratories on ClinVar. (I) 0905 - No published segregation evidence has been identified for this variant. (I) 1007 - No published functional evidence has been identified for this variant. (I) 1208 - Inheritance information for this variant is not currently available in this individual. (I) Legend: (SP) - Supporting pathogenic, (I) - Information, (SB) - Supporting benign

GeneDx
Classification: Uncertain significance. Last evaluated: 2023-12-01. Review status: criteria provided, single submitter. Criteria: GeneDx Variant Classification Process June 2021. Collection method: clinical testing. Allele origin: germline. Affected: yes.
Comment: Has not been previously published as pathogenic or benign to our knowledge; In silico analysis supports that this missense variant has a deleterious effect on protein structure/function

Blueprint Genetics
Classification: Uncertain significance. Last evaluated: 2023-09-14. Review status: criteria provided, single submitter. Criteria: ACMG Guidelines, 2015. Collection method: clinical testing. Allele origin: germline.

Literature cited by the submitters: PubMed 32480058 (cited by Victorian Clinical Genetics Services, Murdoch Childrens Research Institute); PubMed 34263907 (cited by Victorian Clinical Genetics Services, Murdoch Childrens Research Institute).